The following is an entry in ClinVar:

NM_001853.4(COL9A3):c.962C>T (p.Ala321Val)

Gene: COL9A3 (collagen type IX alpha 3 chain; plus strand). Cytogenetic location: 20q13.33.
Variant type: single nucleotide variant.
Coding change: c.962C>T on transcript NM_001853.4 (MANE Select); coding-DNA position 962, C replaced by T.
Protein change: p.Ala321Val; replaces alanine 321 with valine.
Molecular consequence: missense variant.
Genome position (GRCh38, 1-based): chr20:62,828,930, C>T. VCF-style: chr20-62828930-C-T. GRCh37 (hg19) VCF-style: chr20-61460282-C-T.
Other names: short protein forms A321V.
Identifiers: ClinVar variation 2991973 (VCV002991973.3), dbSNP rs1471465645, ClinGen allele CA409593152.

ClinVar aggregate classification (germline): Uncertain significance (1 of 4 stars; one submission).

Allele frequency attached by ClinVar (database versions not stated): gnomAD 0.00001.
gnomAD v4.1: 1 of 1,611,918 alleles (0.000062%); highest among the groups gnomAD compares: Non-Finnish European, 0.000085%; no homozygotes.

Submission:

Labcorp Genetics (formerly Invitae), Labcorp
Classification: Uncertain significance. Last evaluated: 2023-06-04. Review status: criteria provided, single submitter. Criteria: Invitae Variant Classification Sherloc (09022015). Collection method: clinical testing. Allele origin: germline.
Comment: In summary, the available evidence is currently insufficient to determine the role of this variant in disease. Therefore, it has been classified as a Variant of Uncertain Significance. Advanced modeling of protein sequence and biophysical properties (such as structural, functional, and spatial information, amino acid conservation, physicochemical variation, residue mobility, and thermodynamic stability) performed at Invitae indicates that this missense variant is not expected to disrupt COL9A3 protein function. This variant has not been reported in the literature in individuals affected with COL9A3-related conditions. This variant is present in population databases (no rsID available, gnomAD 0.007%). This sequence change replaces alanine, which is neutral and non-polar, with valine, which is neutral and non-polar, at codon 321 of the COL9A3 protein (p.Ala321Val).